The following is an entry in ClinVar:

NM_007294.4(BRCA1):c.2546A>G (p.Glu849Gly)

Gene: BRCA1 (BRCA1 DNA repair associated; minus strand). Cytogenetic location: 17q21.31.
Variant type: single nucleotide variant.
Coding change: c.2546A>G on transcript NM_007294.4 (MANE Select); coding-DNA position 2546, A replaced by G.
Protein change: p.Glu849Gly; replaces glutamic acid 849 with glycine.
Molecular consequence: missense variant. On other transcripts: intron variant (137).
Genome position (GRCh38, 1-based): chr17:43,092,985, T>C on the plus strand (A>G on the coding strand, the complement: BRCA1 is on the minus strand). VCF-style: chr17-43092985-T-C. GRCh37 (hg19) VCF-style: chr17-41245002-T-C.
Other names: c.2543A>G, p.Glu848Gly (NM_001407860.1, NM_001407861.1, NM_001407587.1 and 22 more transcripts); c.2345A>G, p.Glu782Gly (NM_001407862.1); c.2423A>G, p.Glu808Gly (NM_001407863.1, NM_001407919.1, NM_001407937.1 and 19 more transcripts); c.2342A>G, p.Glu781Gly (NM_001407874.1, NM_001407875.1); c.2336A>G, p.Glu779Gly (NM_001407879.1, NM_001407881.1, NM_001407882.1 and 13 more transcripts); c.2333A>G, p.Glu778Gly (NM_001407894.1, NM_001407895.1, NM_001407896.1 and 9 more transcripts); c.2282A>G, p.Glu761Gly (NM_001407920.1, NM_001407921.1, NM_001407922.1 and 9 more transcripts); c.2279A>G, p.Glu760Gly (NM_001407930.1, NM_001407931.1, NM_001407932.1 and 2 more transcripts); and 41 more; short protein forms E849G, E802G, E721G, E737G, E823G, E848G, E681G, E738G.
Identifiers: ClinVar variation 631249 (VCV000631249.16), dbSNP rs1567795227, ClinGen allele CA10596902.
Genomic context (GRCh38, chr17:43,092,985, plus strand): 5'-AATGACTGGCGCTTTGAAACCTTGAATGTATTCTGCAAATACTGAGCATCAAGTTCACTT[T>C]CTTCCATTTCTATGCTTGTTTCCCGACTGTGGTTAACTTCATGTCCCAATGGATACTTAA-3'
Protein context (NP_009225.1, residues 839-859): HSRETSIEME[Glu849Gly]SELDAQYLQN

ClinVar aggregate classification (germline): Conflicting classifications of pathogenicity. Review status: criteria provided, conflicting classifications (1 of 4 stars). 4 submissions from 4 submitters: Uncertain significance (3); Likely benign (1). Last evaluated 2023-03-23.

Conditions:
Hereditary breast ovarian cancer syndrome. Also called: Hereditary breast and ovarian cancer; Hereditary breast and ovarian cancer syndrome (HBOC); Breast and ovarian cancer; Hereditary breast and ovarian cancer syndrome; BRCA1- and BRCA2-Associated Hereditary Breast and Ovarian Cancer; Hereditary breast and/or ovarian cancer syndrome. Identifiers: Orphanet 145, MedGen C0677776, MeSH D061325, MONDO:0003582. Disease mechanism: loss of function.
Hereditary cancer-predisposing syndrome. Also called: Tumor predisposition; Neoplastic Syndromes, Hereditary; Hereditary neoplastic syndrome; Hereditary Cancer Syndrome. Identifiers: Orphanet 140162, MedGen C0027672, MeSH D009386, MONDO:0015356.

Submissions (4):

University of Washington Department of Laboratory Medicine, University of Washington
Classification: Likely benign for Hereditary cancer-predisposing syndrome. Last evaluated: 2023-03-23. Review status: criteria provided, single submitter. Criteria: Dines et al. (Genet Med. 2020). Collection method: curation. Allele origin: germline.
Comment: Missense variant in a coldspot region where missense variants are very unlikely to be pathogenic (PMID:31911673).

BRCA1 coldspot (exon 11 using historical exon numbering). Reclassification based on statistical prior probability

Labcorp Genetics (formerly Invitae), Labcorp
Classification: Uncertain significance for Hereditary breast ovarian cancer syndrome. Last evaluated: 2021-05-19. Review status: criteria provided, single submitter. Criteria: Invitae Variant Classification Sherloc (09022015). Collection method: clinical testing. Allele origin: germline.
Comment: Advanced modeling of protein sequence and biophysical properties (such as structural, functional, and spatial information, amino acid conservation, physicochemical variation, residue mobility, and thermodynamic stability) performed at Invitae indicates that this missense variant is not expected to disrupt BRCA1 protein function. This variant has not been reported in the literature in individuals with BRCA1-related conditions. ClinVar contains an entry for this variant (Variation ID: 631249). This variant is not present in population databases (ExAC no frequency). This sequence change replaces glutamic acid with glycine at codon 849 of the BRCA1 protein (p.Glu849Gly). The glutamic acid residue is moderately conserved and there is a moderate physicochemical difference between glutamic acid and glycine. In summary, the available evidence is currently insufficient to determine the role of this variant in disease. Therefore, it has been classified as a Variant of Uncertain Significance.

Color Diagnostics, LLC DBA Color Health
Classification: Uncertain significance for Hereditary cancer-predisposing syndrome. Last evaluated: 2019-04-05. Review status: criteria provided, single submitter. Criteria: ACMG Guidelines, 2015. Collection method: clinical testing. Allele origin: germline.

Ambry Genetics
Classification: Uncertain significance for Hereditary cancer-predisposing syndrome. Last evaluated: 2015-12-19. Review status: criteria provided, single submitter. Criteria: Ambry Variant Classification Scheme 2023. Collection method: clinical testing. Allele origin: germline.
Comment: The p.E849G variant (also known as c.2546A>G), located in coding exon 9 of the BRCA1 gene, results from an A to G substitution at nucleotide position 2546. The glutamic acid at codon 849 is replaced by glycine, an amino acid with similar properties. This variant was not reported in population based cohorts in the following databases: Database of Single Nucleotide Polymorphisms (dbSNP), NHLBI Exome Sequencing Project (ESP), and 1000 Genomes Project. In the ESP, this variant was not observed in 6503 samples (13006 alleles) with coverage at this position. To date, this alteration has been detected with an allele frequency of approximately 0.0004% (greater than 225000 alleles tested) in our clinical cohort. This amino acid position is not well conserved in available vertebrate species. In addition, the in silico prediction for this alteration is inconclusive. Since supporting evidence is limited at this time, the clinical significance of p.E849G remains unclear.